The following is an entry in ClinVar:

ClinVar aggregate classification (germline): Uncertain significance. Review status: criteria provided, multiple submitters, no conflicts (2 of 4 stars). 3 submissions from 3 submitters: Uncertain significance (2). 1 of the submissions does not count toward it. Last evaluated 2024-12-03.

Conditions:
Autosomal recessive limb-girdle muscular dystrophy type R18 (LGMDR18). Also called: Autosomal recessive limb-girdle muscular dystrophy type 2S; Limb-girdle muscular dystrophy, type 2S; MUSCULAR DYSTROPHY, LIMB-GIRDLE, AUTOSOMAL RECESSIVE 18. Identifiers: Orphanet 369840, MedGen C4517996, MONDO:0014144, OMIM 615356.

Allele frequency attached by ClinVar (database versions not stated): ExAC 0.00001; gnomAD exomes 0.00001.
gnomAD v4.1: 3 of 1,605,880 alleles (0.00019%); highest among the groups gnomAD compares: Admixed American, 0.005%; no homozygotes.

Submissions (3):

Labcorp Genetics (formerly Invitae), Labcorp
Classification: Uncertain significance for Autosomal recessive limb-girdle muscular dystrophy type R18. Last evaluated: 2024-12-03. Review status: criteria provided, single submitter. Criteria: Invitae Variant Classification Sherloc (09022015). Collection method: clinical testing. Allele origin: germline.
Comment: This sequence change replaces tyrosine, which is neutral and polar, with histidine, which is basic and polar, at codon 251 of the TRAPPC11 protein (p.Tyr251His). This variant is present in population databases (rs773950166, gnomAD 0.006%). This missense change has been observed in individual(s) with congenital muscular dystrophy (PMID: 38564972). ClinVar contains an entry for this variant (Variation ID: 2180800). Invitae Evidence Modeling of protein sequence and biophysical properties (such as structural, functional, and spatial information, amino acid conservation, physicochemical variation, residue mobility, and thermodynamic stability) indicates that this missense variant is expected to disrupt TRAPPC11 protein function with a positive predictive value of 80%. In summary, the available evidence is currently insufficient to determine the role of this variant in disease. Therefore, it has been classified as a Variant of Uncertain Significance.

3billion
Classification: Uncertain significance for Autosomal recessive limb-girdle muscular dystrophy type R18. Last evaluated: 2023-06-27. Review status: criteria provided, single submitter. Criteria: ACMG Guidelines, 2015. Collection method: clinical testing. Allele origin: germline. Affected: yes.
Comment: The variant is observed at an extremely low frequency in the gnomAD v2.1.1 dataset (total allele frequency: <0.001%). Predicted Consequence/Location: Missense variant In silico tool predictions suggest damaging effect of the variant on the gene or gene product (REVEL: 0.94; 3Cnet: 0.46). Therefore, this variant is classified as VUS according to the recommendation of ACMG/AMP guideline.

OMIM
Classification: Pathogenic for MUSCULAR DYSTROPHY, LIMB-GIRDLE, AUTOSOMAL RECESSIVE 18. Last evaluated: 2024-07-05. Review status: no assertion criteria provided. Collection method: literature only. Allele origin: germline. Not counted in ClinVar's aggregate classification.

Literature cited by the submitters: PubMed 38564972 (cited by Labcorp Genetics (formerly Invitae), Labcorp and OMIM).

NM_021942.6(TRAPPC11):c.751T>C (p.Tyr251His)

Gene: TRAPPC11 (trafficking protein particle complex subunit 11; plus strand). Cytogenetic location: 4q35.1.
Variant type: single nucleotide variant.
Coding change: c.751T>C on transcript NM_021942.6 (MANE Select); coding-DNA position 751, T replaced by C.
Protein change: p.Tyr251His; replaces tyrosine 251 with histidine.
Molecular consequence: missense variant.
Genome position (GRCh38, 1-based): chr4:183,677,474, T>C. VCF-style: chr4-183677474-T-C. GRCh37 (hg19) VCF-style: chr4-184598627-T-C.
Other names: c.751T>C, p.Tyr251His (NM_199053.3); short protein forms Y251H.
Identifiers: ClinVar variation 2180800 (VCV002180800.5), dbSNP rs773950166, ClinGen allele CA3151700.
Genomic context (GRCh38, chr4:183,677,474, plus strand): 5'-GTTTATTAAACTAATTTATATCATTAACCACCCTCCTCATTTAGGAATTATAGGACCGCC[T>C]ATAATCTTGTACACGAATTGAGAGCCCATGAAACTAATATTCTGGAAATTAAGACTATGG-3'
Protein context (NP_068761.4, residues 241-261): QNALKNYRTA[Tyr251His]NLVHELRAHE